The following is an entry in ClinVar:

NM_001355436.2(SPTB):c.3496C>T (p.Gln1166Ter)

Gene: SPTB (spectrin beta, erythrocytic; minus strand). Cytogenetic location: 14q23.3.
Variant type: single nucleotide variant.
Coding change: c.3496C>T on transcript NM_001355436.2 (MANE Select); coding-DNA position 3496, C replaced by T.
Protein change: p.Gln1166Ter; replaces glutamine 1166 with a stop codon.
Molecular consequence: nonsense.
Genome position (GRCh38, 1-based): chr14:64,786,469, G>A on the plus strand (C>T on the coding strand, the complement: SPTB is on the minus strand). VCF-style: chr14-64786469-G-A. GRCh37 (hg19) VCF-style: chr14-65253187-G-A.
Other names: c.3496C>T, p.Gln1166Ter (NM_001024858.4, NM_001355437.2); c.3496C>T (NM_001024858.2); short protein forms Q1166*.
Identifiers: ClinVar variation 2433852 (VCV002433852.7), dbSNP rs2503126931, ClinGen allele CA390046384.

ClinVar aggregate classification (germline): Pathogenic/Likely pathogenic. Review status: criteria provided, multiple submitters, no conflicts (2 of 4 stars). 4 submissions from 4 submitters: Pathogenic (3); Likely pathogenic (1). Last evaluated 2026-03-05.

Conditions:
SPTB-related disorder. Also called: SPTB-Related Disorders; SPTB-related condition.

Submissions (4):

PreventionGenetics, part of Exact Sciences
Classification: Pathogenic for SPTB-related condition. Last evaluated: 2026-03-05. Review status: criteria provided, single submitter. Criteria: ACMG Guidelines, 2015. Collection method: clinical testing. Allele origin: germline.
Comment: The SPTB c.3496C>T variant is predicted to result in premature protein termination (p.Gln1166*). To our knowledge, this variant has not been reported in the literature or in gnomAD, indicating this variant is rare. Nonsense variants in SPTB are expected to be pathogenic. This variant is interpreted as pathogenic.

Labcorp Genetics (formerly Invitae), Labcorp
Classification: Pathogenic. Last evaluated: 2024-06-04. Review status: criteria provided, single submitter. Criteria: Invitae Variant Classification Sherloc (09022015). Collection method: clinical testing. Allele origin: germline.
Comment: This sequence change creates a premature translational stop signal (p.Gln1166*) in the SPTB gene. It is expected to result in an absent or disrupted protein product. Loss-of-function variants in SPTB are known to be pathogenic (PMID: 1391962, 1498324, 8844207, 26830532, 27292444). This variant is not present in population databases (gnomAD no frequency). This variant has not been reported in the literature in individuals affected with SPTB-related conditions. ClinVar contains an entry for this variant (Variation ID: 2433852). For these reasons, this variant has been classified as Pathogenic.

ARUP Laboratories, Molecular Genetics and Genomics, ARUP Laboratories
Classification: Pathogenic. Last evaluated: 2023-09-22. Review status: criteria provided, single submitter. Criteria: ARUP Molecular Germline Variant Investigation Process 2024. Collection method: clinical testing. Allele origin: germline.
Comment: The SPTB c.3496C>T; p.Gln1166Ter variant, to our knowledge, is not reported in the medical literature or gene specific databases. This variant is absent from the Genome Aggregation Database, indicating it is not a common polymorphism. This variant induces an early termination codon and is predicted to result in a truncated protein or mRNA subject to nonsense-mediated decay. Based on available information, this variant is considered to be pathogenic.

Revvity Omics, Revvity
Classification: Likely pathogenic. Last evaluated: 2022-11-03. Review status: criteria provided, single submitter. Criteria: ACMG Guidelines, 2015. Collection method: clinical testing. Allele origin: germline.

Literature cited by the submitters: PubMed 1391962 (cited by Labcorp Genetics (formerly Invitae), Labcorp); PubMed 1498324 (cited by Labcorp Genetics (formerly Invitae), Labcorp); PubMed 8844207 (cited by Labcorp Genetics (formerly Invitae), Labcorp); PubMed 26830532 (cited by Labcorp Genetics (formerly Invitae), Labcorp); PubMed 27292444 (cited by Labcorp Genetics (formerly Invitae), Labcorp).